The following is an entry in ClinVar:

ClinVar aggregate classification (germline): Uncertain significance (1 of 4 stars; one submission).

Conditions:
Neurofibromatosis, type 1 (NF1). Also called: Peripheral type neurofibromatosis; VON RECKLINGHAUSEN DISEASE; Neurofibromatosis, type I; NEUROFIBROMATOSIS, TYPE I, SOMATIC. Identifiers: Orphanet 636, MedGen C0027831, MONDO:0018975, OMIM 162200. Disease mechanism: loss of function.

Submission:

Labcorp Genetics (formerly Invitae), Labcorp
Classification: Uncertain significance for Neurofibromatosis, type 1. Last evaluated: 2023-12-14. Review status: criteria provided, single submitter. Criteria: Invitae Variant Classification Sherloc (09022015). Collection method: clinical testing. Allele origin: germline.
Comment: This sequence change replaces cysteine, which is neutral and slightly polar, with arginine, which is basic and polar, at codon 2432 of the NF1 protein (p.Cys2432Arg). This variant is not present in population databases (gnomAD no frequency). This variant has not been reported in the literature in individuals affected with NF1-related conditions. Advanced modeling of protein sequence and biophysical properties (such as structural, functional, and spatial information, amino acid conservation, physicochemical variation, residue mobility, and thermodynamic stability) performed at Invitae indicates that this missense variant is expected to disrupt NF1 protein function with a positive predictive value of 95%. In summary, the available evidence is currently insufficient to determine the role of this variant in disease. Therefore, it has been classified as a Variant of Uncertain Significance.

NM_001042492.3(NF1):c.7357T>C (p.Cys2453Arg)

Gene: NF1 (neurofibromin 1; plus strand). Cytogenetic location: 17q11.2.
Variant type: single nucleotide variant.
Coding change: c.7357T>C on transcript NM_001042492.3 (MANE Select); coding-DNA position 7357, T replaced by C.
Protein change: p.Cys2453Arg; replaces cysteine 2453 with arginine.
Molecular consequence: missense variant.
Genome position (GRCh38, 1-based): chr17:31,350,218, T>C. VCF-style: chr17-31350218-T-C. GRCh37 (hg19) VCF-style: chr17-29677236-T-C.
Other names: c.7294T>C, p.Cys2432Arg (NM_000267.4); short protein forms C2453R, C2432R.
Identifiers: ClinVar variation 2699390 (VCV002699390.3), dbSNP rs1257323685, ClinGen allele CA399017014.